The following is an entry in ClinVar:

NM_019842.4(KCNQ5):c.532C>T (p.Arg178Ter)

Gene: KCNQ5 (potassium voltage-gated channel subfamily Q member 5; plus strand). Cytogenetic location: 6q13.
Variant type: single nucleotide variant.
Coding change: c.532C>T on transcript NM_019842.4 (MANE Select); coding-DNA position 532, C replaced by T.
Protein change: p.Arg178Ter; replaces arginine 178 with a stop codon.
Molecular consequence: nonsense.
Genome position (GRCh38, 1-based): chr6:73,041,978, C>T. VCF-style: chr6-73041978-C-T. GRCh37 (hg19) VCF-style: chr6-73751701-C-T.
Other names: c.532C>T, p.Arg178Ter (NM_001160130.2, NM_001160132.2, NM_001160133.2 and 1 more transcripts); short protein forms R178*.
Identifiers: ClinVar variation 523807 (VCV000523807.6), dbSNP rs1554201137, ClinGen allele CA364825149.
Genomic context (GRCh38, chr6:73,041,978, plus strand): 5'-TCTTATCTGATATTTTAGGAGTTCGTGATGATTGTCGTCTTTGGTTTGGAGTTCATCATT[C>T]GAATCTGGTCTGCGGGTTGCTGTTGTCGATATAGAGGATGGCAAGGAAGACTGAGGTTTG-3'

ClinVar aggregate classification (germline): Pathogenic/Likely pathogenic. Review status: criteria provided, multiple submitters, no conflicts (2 of 4 stars). 2 submissions from 2 submitters: Pathogenic (1); Likely pathogenic (1). Last evaluated 2025-07-18.

Conditions:
Intellectual developmental disorder, autosomal dominant 46. Also called: Intellectual disability, autosomal dominant 46; MENTAL RETARDATION, AUTOSOMAL DOMINANT 46. Identifiers: MedGen C4539851, MONDO:0030911, OMIM 617601.

Submissions (2):

GeneDx
Classification: Pathogenic. Last evaluated: 2025-07-18. Review status: criteria provided, single submitter. Criteria: GeneDx Variant Classification Process June 2021. Collection method: clinical testing. Allele origin: germline. Affected: yes.
Comment: Published functional studies demonstrate a loss of normal protein function (PMID: 35583973); Not observed at significant frequency in large population cohorts (gnomAD); Nonsense variant predicted to result in protein truncation or nonsense mediated decay in a gene or region of a gene for which loss of function is not a well-established mechanism of disease; This variant is associated with the following publications: (PMID: 35583973, 33057194, 35982159)

Baylor Genetics
Classification: Likely pathogenic for Intellectual developmental disorder, autosomal dominant 46. Last evaluated: 2018-04-30. Review status: criteria provided, single submitter. Criteria: ACMG Guidelines, 2015. Collection method: clinical testing. Allele origin: unknown. Affected: yes.
Comment: This variant was determined to be likely pathogenic according to ACMG Guidelines, 2015 [PMID:25741868].